The following is an entry in ClinVar:

NM_001684.5(ATP2B4):c.1998G>A (p.Ala666=)

Gene: ATP2B4 (ATPase plasma membrane Ca2+ transporting 4; plus strand). Cytogenetic location: 1q32.1.
Variant type: single nucleotide variant.
Coding change: c.1998G>A on transcript NM_001684.5 (MANE Select); coding-DNA position 1998, G replaced by A.
Protein change: p.Ala666=; no amino-acid change (alanine 666 retained).
Molecular consequence: synonymous variant.
Genome position (GRCh38, 1-based): chr1:203,711,075, G>A. VCF-style: chr1-203711075-G-A. GRCh37 (hg19) VCF-style: chr1-203680203-G-A.
Other names: c.1998G>A, p.Ala666= (NM_001001396.3, NM_001365783.2, NM_001365784.2); c.1998G>A (NM_001001396.2).
Identifiers: ClinVar variation 2802653 (VCV002802653.4), dbSNP rs145558731, ClinGen allele CA1341750.
Genomic context (GRCh38, chr1:203,711,075, plus strand): 5'-TGACACAGAGCCCTCTTGGGACAATGAGAATGAGATCCTCACCGAACTGACCTGTATCGC[G>A]GTGGTGGGCATTGAGGACCCTGTGCGCCCAGAGGTGAGAGGGTGGGAAGCCACCCAGGAG-3'
Protein context (NP_001675.3, residues 656-676): NEILTELTCI[Ala666=]VVGIEDPVRP

ClinVar aggregate classification (germline): Likely benign. Review status: criteria provided, multiple submitters, no conflicts (2 of 4 stars). 2 submissions from 2 submitters: Likely benign (2). Last evaluated 2025-05-29.

Conditions:
ATP2B4-related disorder. Also called: ATP2B4-related condition.

Allele frequency attached by ClinVar (database versions not stated): ExAC 0.00018; gnomAD 0.00042; 1000 Genomes Project 30x 0.00047; TOPMed 0.00053; 1000 Genomes Project 0.00060; ESP Exome Variant Server 0.00069.
gnomAD v4.1: 129 of 1,614,140 alleles (0.008%); highest among the groups gnomAD compares: African/African-American, 0.13%; no homozygotes.

Submissions (2):

PreventionGenetics, part of Exact Sciences
Classification: Likely benign for ATP2B4-related condition. Last evaluated: 2025-05-29. Review status: criteria provided, single submitter. Criteria: ACMG Guidelines, 2015. Collection method: clinical testing. Allele origin: germline.
Comment: This variant is classified as likely benign based on ACMG/AMP sequence variant interpretation guidelines (Richards et al. 2015 PMID: 25741868, with internal and published modifications).

Labcorp Genetics (formerly Invitae), Labcorp
Classification: Likely benign. Last evaluated: 2025-04-09. Review status: criteria provided, single submitter. Criteria: Invitae Variant Classification Sherloc (09022015). Collection method: clinical testing. Allele origin: germline.